The following is an entry in ClinVar:

NM_018941.4(CLN8):c.16G>A (p.Asp6Asn)

Gene: CLN8 (CLN8 transmembrane ER and ERGIC protein; plus strand). Cytogenetic location: 8p23.3.
Variant type: single nucleotide variant.
Coding change: c.16G>A on transcript NM_018941.4 (MANE Select); coding-DNA position 16, G replaced by A.
Protein change: p.Asp6Asn; replaces aspartic acid 6 with asparagine.
Molecular consequence: missense variant.
Genome position (GRCh38, 1-based): chr8:1,771,070, G>A. VCF-style: chr8-1771070-G-A. GRCh37 (hg19) VCF-style: chr8-1719236-G-A.
Other names: c.16G>A (NM_018941.3); short protein forms D6N.
Identifiers: ClinVar variation 1465767 (VCV001465767.4), dbSNP rs200999640, ClinGen allele CA4599173.

ClinVar aggregate classification (germline): Uncertain significance. Review status: criteria provided, multiple submitters, no conflicts (2 of 4 stars). 2 submissions from 2 submitters: Uncertain significance (2). Last evaluated 2025-11-26.

Conditions:
Neuronal ceroid lipofuscinosis. Also called: Neuronal Ceroid Lipofuscinoses. Identifiers: Orphanet 216, Orphanet 79263, MedGen C0027877, MONDO:0016295. Disease mechanism: loss of function.
Inborn genetic diseases. Identifiers: MedGen C0950123, MeSH D030342.

gnomAD v4.1: 12 of 1,614,066 alleles (0.00074%); highest among the groups gnomAD compares: African/African-American, 0.0027%; no homozygotes.

Submissions (2):

Ambry Genetics
Classification: Uncertain significance for Inborn genetic diseases. Last evaluated: 2025-11-26. Review status: criteria provided, single submitter. Criteria: Ambry Variant Classification Scheme 2023. Collection method: clinical testing. Allele origin: germline.

Labcorp Genetics (formerly Invitae), Labcorp
Classification: Uncertain significance for Neuronal ceroid lipofuscinosis. Last evaluated: 2022-07-12. Review status: criteria provided, single submitter. Criteria: Invitae Variant Classification Sherloc (09022015). Collection method: clinical testing. Allele origin: germline.
Comment: This sequence change replaces aspartic acid, which is acidic and polar, with asparagine, which is neutral and polar, at codon 6 of the CLN8 protein (p.Asp6Asn). This variant is present in population databases (rs200999640, gnomAD 0.003%). This variant has not been reported in the literature in individuals affected with CLN8-related conditions. ClinVar contains an entry for this variant (Variation ID: 1465767). Advanced modeling of protein sequence and biophysical properties (such as structural, functional, and spatial information, amino acid conservation, physicochemical variation, residue mobility, and thermodynamic stability) performed at Invitae indicates that this missense variant is not expected to disrupt CLN8 protein function. In summary, the available evidence is currently insufficient to determine the role of this variant in disease. Therefore, it has been classified as a Variant of Uncertain Significance.